The following is an entry in ClinVar:

ClinVar aggregate classification (germline): Pathogenic (1 of 4 stars; one submission).

Conditions:
Severe myoclonic epilepsy in infancy (DRVT). Also called: Epileptic encephalopathy, early infantile, 6 (Dravet syndrome); SEVERE MYOCLONIC EPILEPSY OF INFANCY; DEVELOPMENTAL AND EPILEPTIC ENCEPHALOPATHY 6A; Severe Myoclonic Epilepsy in Infancy (SMEI); Dravet syndrome. Identifiers: Orphanet 33069, MedGen C0751122, MONDO:0100135, OMIM 607208.

Submission:

Center for Bioinformatics, Peking University
Classification: Pathogenic for Dravet syndrome. Last evaluated: 2014-12-20. Review status: criteria provided, single submitter. Criteria: Xu et al. (Hum Mutat. 2015). Collection method: research. Allele origin: de novo. Affected: yes. Observed: 1 variant allele. Study: University Clinical Cooperation “985 Project” PKU-2014-1-1.
Comment: Dravet syndrome (DS) probands were recruited from the outpatient and inpatient child neurology units of Peking University First Hospital from 2005 till present. The study was approved by the Ethics Committee of Peking University First Hospital and the Institutional Review Board at Peking University. Participants or their parents provided written informed consent before enrollment. We collected a total of 267 mutations from 255 families with probands diagnosed with DS in China. All probands fulfilled the clinical diagnostic criteria.

NM_001165963.4(SCN1A):c.896_905del (p.Asn299fs)

Gene: SCN1A (sodium voltage-gated channel alpha subunit 1; minus strand). Cytogenetic location: 2q24.3.
Variant type: Deletion.
Coding change: c.896_905del on transcript NM_001165963.4 (MANE Select); coding-DNA positions 896 to 905, 10 bases deleted (ATTATAATGG; older notation c.896_905delATTATAATGG).
Protein change: p.Asn299fs; shifts the reading frame from asparagine 299.
Molecular consequence: frameshift variant. On other transcripts: 5 prime UTR variant (1), non-coding transcript variant (1).
Genome position (GRCh38, 1-based): chr2:166,051,778-166,051,787, CCATTATAAT deleted on the plus strand (ATTATAATGG on the coding strand, the reverse complement: SCN1A is on the minus strand). VCF-style (leftmost placement, unchanged base first): chr2-166051777-ACCATTATAAT-A. GRCh37 (hg19) VCF-style: chr2-166908287-ACCATTATAAT-A.
Other names: c.896_905del, p.Asn299fs (NM_001165964.3, NM_001202435.3, NM_001353948.2 and 10 more transcripts); c.-1530_-1521del (NM_001353961.2); short protein forms N299fs.
Identifiers: ClinVar variation 189951 (VCV000189951.1), dbSNP rs794726788, ClinGen allele CA303388.